The following is an entry in ClinVar:

NM_001357.5(DHX9):c.3745C>T (p.Arg1249Ter)

Gene: DHX9 (DExH-box helicase 9; plus strand). Cytogenetic location: 1q25.3.
Variant type: single nucleotide variant.
Coding change: c.3745C>T on transcript NM_001357.5 (MANE Select); coding-DNA position 3745, C replaced by T.
Protein change: p.Arg1249Ter; replaces arginine 1249 with a stop codon.
Molecular consequence: nonsense. On other transcripts: non-coding transcript variant (1).
Genome position (GRCh38, 1-based): chr1:182,887,366, C>T. VCF-style: chr1-182887366-C-T. GRCh37 (hg19) VCF-style: chr1-182856501-C-T.
Other names: short protein forms R1249*.
Identifiers: ClinVar variation 3899565 (VCV003899565.1).

ClinVar aggregate classification (germline): Likely pathogenic (1 of 4 stars; one submission).

gnomAD v4.1: 5 of 1,613,564 alleles (0.00031%); highest among the groups gnomAD compares: Non-Finnish European, 0.00042%; no homozygotes.

Submission:

GeneDx
Classification: Likely pathogenic. Last evaluated: 2024-11-15. Review status: criteria provided, single submitter. Criteria: GeneDx Variant Classification Process June 2021. Collection method: clinical testing. Allele origin: germline. Affected: yes.
Comment: Nonsense variant predicted to result in protein truncation, as the last 22 amino acid(s) are lost, and other loss-of-function variants have been reported downstream in HGMD; Not observed at significant frequency in large population cohorts (gnomAD); Has not been previously published as pathogenic or benign to our knowledge